The following is an entry in ClinVar:

NM_001139.3(ALOX12B):c.1126T>C (p.Trp376Arg)

Gene: ALOX12B (arachidonate 12-lipoxygenase, 12R type; minus strand). Cytogenetic location: 17p13.1.
Variant type: single nucleotide variant.
Coding change: c.1126T>C on transcript NM_001139.3 (MANE Select); coding-DNA position 1126, T replaced by C.
Protein change: p.Trp376Arg; replaces tryptophan 376 with arginine.
Molecular consequence: missense variant.
Genome position (GRCh38, 1-based): chr17:8,077,139, A>G on the plus strand (T>C on the coding strand, the complement: ALOX12B is on the minus strand). VCF-style: chr17-8077139-A-G. GRCh37 (hg19) VCF-style: chr17-7980457-A-G.
Other names: short protein forms W376R.
Identifiers: ClinVar variation 1029146 (VCV001029146.2), dbSNP rs752051700, ClinGen allele CA8367394.

ClinVar aggregate classification (germline): Uncertain significance. Review status: criteria provided, multiple submitters, no conflicts (2 of 4 stars). 2 submissions from 2 submitters: Uncertain significance (2). Last evaluated 2023-07-25.

Conditions:
Autosomal recessive congenital ichthyosis 2 (ARCI2). Identifiers: Orphanet 281122, Orphanet 79394, MedGen C3888093, MONDO:0009439, OMIM 242100.

Allele frequency attached by ClinVar (database versions not stated): ExAC 0.00001; gnomAD 0.00001; gnomAD exomes 0.00001; TOPMed 0.00001.
gnomAD v4.1: 5 of 1,613,550 alleles (0.00031%); highest among the groups gnomAD compares: Admixed American, 0.0083%; no homozygotes.

Submissions (2):

3billion
Classification: Uncertain significance for Autosomal recessive congenital ichthyosis 2. Last evaluated: 2023-07-25. Review status: criteria provided, single submitter. Criteria: ACMG Guidelines, 2015. Collection method: clinical testing. Allele origin: germline. Affected: yes.
Comment: The variant is observed at an extremely low frequency in the gnomAD v2.1.1 dataset (total allele frequency: 0.001%). Predicted Consequence/Location: Missense variant In silico tool predictions suggest damaging effect of the variant on gene or gene product (REVEL: 0.62; 3Cnet: 0.58). Therefore, this variant is classified as VUS according to the recommendation of ACMG/AMP guideline.

Baylor Genetics
Classification: Uncertain significance for Autosomal recessive congenital ichthyosis 2. Last evaluated: 2019-10-04. Review status: criteria provided, single submitter. Criteria: ACMG Guidelines, 2015. Collection method: clinical testing. Allele origin: unknown. Affected: yes.
Comment: This variant was determined to be of uncertain significance according to ACMG Guidelines, 2015 [PMID:25741868].